The following is an entry in ClinVar:

ClinVar aggregate classification (germline): Pathogenic. Review status: criteria provided, single submitter (1 of 4 stars). 2 submissions from 2 submitters: Pathogenic (1). 1 of the submissions does not count toward it. Last evaluated 2018-02-01.

Conditions:
Tuberous sclerosis syndrome (TSC). Also called: Tuberous Sclerosis Complex; Tuberous sclerosis. Identifiers: Orphanet 805, MedGen C0041341, MONDO:0001734.

Submissions (2):

GeneDx
Classification: Pathogenic. Last evaluated: 2018-02-01. Review status: criteria provided, single submitter. Criteria: GeneDx Variant Classification (06012015). Collection method: clinical testing. Allele origin: germline. Affected: yes.
Comment: The c.1875_1876delAC pathogenic variant in the TSC2 gene causes a frameshift starting with codonLeucine 626, changes this amino acid to an Alanine residue and creates a premature Stop codon atposition 30 of the new reading frame, denoted p.Leu626AlafsX30. This pathogenic variant ispredicted to cause loss of normal protein function either through protein truncation or nonsense-mediated mRNA decay. The c.1875_1876delAC variant is not observed in large population cohorts (Lek et al., 2016).

Tuberous sclerosis database (TSC2)
No classification provided. Condition: TSC. Review status: no classification provided. Criteria: Tuberous Sclerosis Database Assertion Criteria 2015. Collection method: curation. Allele origin: germline. Affected: yes. Not counted in ClinVar's aggregate classification.

NM_000548.5(TSC2):c.1875_1876del (p.Leu626fs)

Gene: TSC2 (TSC complex subunit 2; plus strand). Cytogenetic location: 16p13.3.
Variant type: Deletion.
Coding change: c.1875_1876del on transcript NM_000548.5 (MANE Select); coding-DNA positions 1875 to 1876, 2 bases deleted (AC; older notation c.1875_1876delAC).
Protein change: p.Leu626fs; shifts the reading frame from leucine 626.
Molecular consequence: frameshift variant.
Genome position (GRCh38, 1-based): chr16:2,071,545-2,071,546, AC deleted; deleting any 2 consecutive bases within chr16:2,071,544-2,071,546 gives the same sequence; the c. name uses the placement nearest the transcript's 3' end. VCF-style (leftmost placement, unchanged base first): chr16-2071543-TCA-T. GRCh37 (hg19) VCF-style: chr16-2121544-TCA-T.
Other names: c.1875_1876del, p.Leu626fs (NM_001077183.3, NM_001114382.3, NM_001363528.2 and 3 more transcripts); c.1764_1765del, p.Leu589fs (NM_001318827.2); c.1728_1729del, p.Leu577fs (NM_001318829.2); c.1275_1276del, p.Leu426fs (NM_001318831.2); c.1908_1909del, p.Leu637fs (NM_001318832.2); short protein forms L589fs, L637fs, L426fs, L577fs, L626fs.
Identifiers: ClinVar variation 65098 (VCV000065098.3), dbSNP rs397515073, ClinGen allele CA016116.